The following is an entry in ClinVar:

NM_001378609.3(OTOGL):c.3214-15_3214-13delinsC

Gene: OTOGL (otogelin like; plus strand). Cytogenetic location: 12q21.31.
Variant type: Indel.
Coding change: c.3214-15_3214-13delinsC on transcript NM_001378609.3 (MANE Select); 15 bases into the intron before coding-DNA position 3214 through 13 bases into the intron before coding-DNA position 3214, TTT replaced by C.
Molecular consequence: intron variant.
Genome position (GRCh38, 1-based): chr12:80,305,561-80,305,563, TTT replaced by C. VCF-style: chr12-80305561-TTT-C. GRCh37 (hg19) VCF-style: chr12-80699341-TTT-C.
Other names: c.3079-15_3079-13delinsC (NM_001368062.3); c.3214-15_3214-13delinsC (NM_001378610.3, NM_173591.7).
Identifiers: ClinVar variation 1343026 (VCV001343026.2), dbSNP rs2137751838, ClinGen allele CA2573053760.
Genomic context (GRCh38, chr12:80,305,561, plus strand): 5'-AAGTTTTAATGAATATGAGTCTTTAAATGTTAAAGTGAAAACAGAATATTTCCTGGTGAT[TTT>C]CTCTTACTTTAGAACAAGCTATCAGGATTGTGTGGAAACTTTGACAAATGCACTTCAAAT-3'

ClinVar aggregate classification (germline): Uncertain significance (1 of 4 stars; one submission).

Submission:

GeneDx
Classification: Uncertain significance. Last evaluated: 2022-02-25. Review status: criteria provided, single submitter. Criteria: GeneDx Variant Classification Process June 2021. Collection method: clinical testing. Allele origin: germline. Affected: yes.
Comment: Not observed at significant frequency in large population cohorts (gnomAD); In-silico analysis is inconclusive as to whether the variant alters gene splicing. In the absence of RNA/functional studies, the actual effect of this sequence change is unknown.; Has not been previously published as pathogenic or benign to our knowledge